The following is an entry in ClinVar:

ClinVar aggregate classification (germline): Uncertain significance (1 of 4 stars; one submission).

Conditions:
Spastic paraplegia. Identifiers: MedGen C0037772, HP:0001258.

Submission:

Labcorp Genetics (formerly Invitae), Labcorp
Classification: Uncertain significance for Spastic paraplegia. Last evaluated: 2021-12-02. Review status: criteria provided, single submitter. Criteria: Invitae Variant Classification Sherloc (09022015). Collection method: clinical testing. Allele origin: germline.
Comment: In summary, the available evidence is currently insufficient to determine the role of this variant in disease. Therefore, it has been classified as a Variant of Uncertain Significance. This sequence change replaces arginine, which is basic and polar, with tryptophan, which is neutral and slightly polar, at codon 52 of the CYP2U1 protein (p.Arg52Trp). This variant is not present in population databases (gnomAD no frequency). This variant has not been reported in the literature in individuals affected with CYP2U1-related conditions. Advanced modeling of protein sequence and biophysical properties (such as structural, functional, and spatial information, amino acid conservation, physicochemical variation, residue mobility, and thermodynamic stability) performed at Invitae indicates that this missense variant is not expected to disrupt CYP2U1 protein function.

NM_183075.3(CYP2U1):c.154C>T (p.Arg52Trp)

Genes: CYP2U1 (cytochrome P450 family 2 subfamily U member 1; plus strand), CYP2U1-AS1 (CYP2U1 and SGMS2 antisense RNA 1; minus strand). Cytogenetic location: 4q25.
Variant type: single nucleotide variant.
Coding change: c.154C>T on transcript NM_183075.3 (MANE Select); coding-DNA position 154, C replaced by T.
Protein change: p.Arg52Trp; replaces arginine 52 with tryptophan.
Molecular consequence: missense variant.
Genome position (GRCh38, 1-based): chr4:107,931,797, C>T. VCF-style: chr4-107931797-C-T. GRCh37 (hg19) VCF-style: chr4-108852953-C-T.
Other names: short protein forms R52W.
Identifiers: ClinVar variation 1404836 (VCV001404836.6), dbSNP rs1732990193, ClinGen allele CA357831835.